The following is an entry in ClinVar:

ClinVar aggregate classification (germline): Uncertain significance (1 of 4 stars; one submission).

Conditions:
Hereditary cancer-predisposing syndrome. Also called: Tumor predisposition; Hereditary neoplastic syndrome; Hereditary Cancer Syndrome; Neoplastic Syndromes, Hereditary. Identifiers: Orphanet 140162, MedGen C0027672, MeSH D009386, MONDO:0015356.

Submission:

Ambry Genetics
Classification: Uncertain significance for Hereditary cancer-predisposing syndrome. Last evaluated: 2025-05-25. Review status: criteria provided, single submitter. Criteria: Ambry Variant Classification Scheme 2023. Collection method: clinical testing. Allele origin: germline.
Comment: The p.A333T variant (also known as c.997G>A), located in coding exon 10 of the RB1 gene, results from a G to A substitution at nucleotide position 997. The alanine at codon 333 is replaced by threonine, an amino acid with similar properties. This amino acid position is highly conserved in available vertebrate species. In addition, this alteration is predicted to be deleterious by in silico analysis. Based on the available evidence, the clinical significance of this variant remains unclear.

NM_000321.3(RB1):c.997G>A (p.Ala333Thr)

Gene: RB1 (RB transcriptional corepressor 1; plus strand). Cytogenetic location: 13q14.2.
Variant type: single nucleotide variant.
Coding change: c.997G>A on transcript NM_000321.3 (MANE Select); coding-DNA position 997, G replaced by A.
Protein change: p.Ala333Thr; replaces alanine 333 with threonine.
Molecular consequence: missense variant.
Genome position (GRCh38, 1-based): chr13:48,367,551, G>A. VCF-style: chr13-48367551-G-A. GRCh37 (hg19) VCF-style: chr13-48941687-G-A.
Other names: c.997G>A, p.Ala333Thr (NM_001407165.1, NM_001407166.1); short protein forms A333T.
Identifiers: ClinVar variation 3943320 (VCV003943320.1).
Genomic context (GRCh38, chr13:48,367,551, plus strand): 5'-AAGGTTGAAAATCTTTCTAAACGATACGAAGAAATTTATCTTAAAAATAAAGATCTAGAT[G>A]CAAGATTATTTTTGGATCATGATAAAACTCTTCAGACTGATTCTATAGACAGGTATTGCA-3'
Protein context (NP_000312.2, residues 323-343): EIYLKNKDLD[Ala333Thr]RLFLDHDKTL